The following is an entry in ClinVar:

NM_001165963.4(SCN1A):c.3429+1G>T

Genes: SCN1A (sodium voltage-gated channel alpha subunit 1; minus strand), LOC102724058 (uncharacterized LOC102724058; plus strand). Cytogenetic location: 2q24.3.
Variant type: single nucleotide variant.
Coding change: c.3429+1G>T on transcript NM_001165963.4 (MANE Select); the canonical splice donor site of the intron after coding-DNA position 3429, G replaced by T.
Molecular consequence: splice donor variant.
Genome position (GRCh38, 1-based): chr2:166,036,047, C>A on the plus strand (G>T on the coding strand, the complement: SCN1A is on the minus strand). VCF-style: chr2-166036047-C-A. GRCh37 (hg19) VCF-style: chr2-166892557-C-A.
Other names: c.3396+1G>T (NM_001353949.2, NM_001353950.2, NM_001353951.2 and 2 more transcripts); c.3345+1G>T (NM_001353958.2, NM_001353957.2, NM_001165964.3); c.3429+1G>T (NM_001202435.3, NM_001353948.2); c.3393+1G>T (NM_001353955.2, NM_001353954.2); c.3342+1G>T (NM_001353960.2); c.987+1G>T (NM_001353961.2).
Identifiers: ClinVar variation 801801 (VCV000801801.10), dbSNP rs1574166948, ClinGen allele CA349058951.
Genomic context (GRCh38, chr2:166,036,047, plus strand): 5'-TATGTGTGTATATGTATATATGTATATGTATTCATACCTTCCCACACCTATAGAATCTTA[C>A]CTCTTTGCTTTCTTCCAGATCCGATTCACTACTAAAGTCTTCCGTGTTTAAATTTTCAAA-3'

ClinVar aggregate classification (germline): Pathogenic/Likely pathogenic. Review status: criteria provided, multiple submitters, no conflicts (2 of 4 stars). 4 submissions from 4 submitters: Pathogenic (2); Likely pathogenic (2). Last evaluated 2021-08-31.

Conditions:
Severe myoclonic epilepsy in infancy (DRVT). Also called: DEVELOPMENTAL AND EPILEPTIC ENCEPHALOPATHY 6A; Severe Myoclonic Epilepsy in Infancy (SMEI); Dravet syndrome; Epileptic encephalopathy, early infantile, 6 (Dravet syndrome); SEVERE MYOCLONIC EPILEPSY OF INFANCY. Identifiers: Orphanet 33069, MedGen C0751122, MONDO:0100135, OMIM 607208.
Early-infantile DEE. Also called: Early infantile epileptic encephalopathy; Ohtahara syndrome; Early infantile epileptic encephalopathy with suppression bursts. Identifiers: Orphanet 1934, MedGen C0393706, MONDO:0800491.

Submissions (4):

Labcorp Genetics (formerly Invitae), Labcorp
Classification: Pathogenic for Early-infantile DEE. Last evaluated: 2021-08-31. Review status: criteria provided, single submitter. Criteria: Invitae Variant Classification Sherloc (09022015). Collection method: clinical testing. Allele origin: germline.
Comment: For these reasons, this variant has been classified as Pathogenic. Algorithms developed to predict the effect of sequence changes on RNA splicing suggest that this variant may disrupt the consensus splice site. ClinVar contains an entry for this variant (Variation ID: 801801). Disruption of this splice site has been observed in individual(s) with Dravet syndrome and/or SCN1A-related conditions (PMID: 21248271; Invitae). This variant is not present in population databases (ExAC no frequency). This sequence change affects a donor splice site in intron 16 of the SCN1A gene. It is expected to disrupt RNA splicing. Variants that disrupt the donor or acceptor splice site typically lead to a loss of protein function (PMID: 16199547), and loss-of-function variants in SCN1A are known to be pathogenic (PMID: 17347258, 18930999).

GeneDx
Classification: Pathogenic. Last evaluated: 2020-04-03. Review status: criteria provided, single submitter. Criteria: GeneDx Variant Classification Process June 2021. Collection method: clinical testing. Allele origin: germline. Affected: yes.
Comment: Reported previously in an individual with Dravet syndrome, however parental studies were not performed (Zuberi et al., 2011); Canonical splice site variant in a gene for which loss-of-function is a known mechanism of disease; Not observed in large population cohorts (Lek et al., 2016); This variant is associated with the following publications: (PMID: 32090326, 21248271, 29408779, 25525159, 29655203)

Mendelics
Classification: Likely pathogenic for Severe myoclonic epilepsy in infancy. Last evaluated: 2019-05-28. Review status: criteria provided, single submitter. Criteria: Mendelics Assertion Criteria 2017. Collection method: clinical testing. Allele origin: unknown.

Neuberg Centre For Genomic Medicine, NCGM
Classification: Likely pathogenic for Severe myoclonic epilepsy in infancy. Review status: criteria provided, single submitter. Criteria: ACMG Guidelines, 2015. Collection method: clinical testing. Allele origin: germline. Inheritance: Autosomal dominant inheritance. Affected: yes.
Comment: The invariant splice site c.3429+1G>T has not been reported previously as a pathogenic variant nor as a benign variant, to our knowledge. The c.3429+1G>T variant is novel (not in any individuals) in gnomAD Exomes and 1000 Genomes. This variant has been reported to the ClinVar database as Pathogenic/Likely Pathogenic. Loss of function variants have been previously reported to be disease causing. For these reasons, this variant has been classified as Likely Pathogenic

Literature cited by the submitters: PubMed 21248271 (cited by Labcorp Genetics (formerly Invitae), Labcorp); PubMed 16199547 (cited by Labcorp Genetics (formerly Invitae), Labcorp); PubMed 17347258 (cited by Labcorp Genetics (formerly Invitae), Labcorp); PubMed 18930999 (cited by Labcorp Genetics (formerly Invitae), Labcorp).